The following is an entry in ClinVar:

ClinVar aggregate classification (germline): Benign/Likely benign. Review status: criteria provided, multiple submitters, no conflicts (2 of 4 stars). 4 submissions from 4 submitters: Benign (2); Likely benign (1). 1 of the submissions does not count toward it. Last evaluated 2024-04-24.

Conditions:
ARHGEF6-related disorder. Also called: ARHGEF6-related condition.

Allele frequency attached by ClinVar (database versions not stated): gnomAD exomes 0.00007 and 0.00020; ExAC 0.00022; 1000 Genomes Project 30x 0.00042; 1000 Genomes Project 0.00053; gnomAD 0.00077 and 0.00083; TOPMed 0.00087; ESP Exome Variant Server 0.00114.
gnomAD v4.1: 180 of 1,209,416 alleles (0.015%); highest among the groups gnomAD compares: African/African-American, 0.25%; 2 homozygotes.

Submissions (4):

Blueprint Genetics
Classification: Likely benign. Last evaluated: 2024-04-24. Review status: criteria provided, single submitter. Criteria: ACMG Guidelines, 2015. Collection method: clinical testing. Allele origin: germline.

Labcorp Genetics (formerly Invitae), Labcorp
Classification: Benign. Last evaluated: 2018-08-24. Review status: criteria provided, single submitter. Criteria: Invitae Variant Classification Sherloc (09022015). Collection method: clinical testing. Allele origin: germline.

Genetic Services Laboratory, University of Chicago
Classification: Benign. Last evaluated: 2017-04-24. Review status: criteria provided, single submitter. Criteria: ACMG Guidelines, 2015. Collection method: clinical testing. Allele origin: germline. Affected: no.

PreventionGenetics, part of Exact Sciences
Classification: Benign for ARHGEF6-related condition. Last evaluated: 2019-12-09. Review status: no assertion criteria provided. Collection method: clinical testing. Allele origin: germline. Not counted in ClinVar's aggregate classification.
Comment: This variant is classified as benign based on ACMG/AMP sequence variant interpretation guidelines (Richards et al. 2015 PMID: 25741868, with internal and published modifications).

NM_004840.3(ARHGEF6):c.1764G>A (p.Pro588=)

Gene: ARHGEF6 (Rac/Cdc42 guanine nucleotide exchange factor 6; minus strand). Cytogenetic location: Xq26.3.
Variant type: single nucleotide variant.
Coding change: c.1764G>A on transcript NM_004840.3 (MANE Select); coding-DNA position 1764, G replaced by A.
Protein change: p.Pro588=; no amino-acid change (proline 588 retained).
Molecular consequence: synonymous variant.
Genome position (GRCh38, 1-based): chrX:136,679,601, C>T on the plus strand (G>A on the coding strand, the complement: ARHGEF6 is on the minus strand). VCF-style: chrX-136679601-C-T. GRCh37 (hg19) VCF-style: chrX-135761760-C-T.
Other names: c.1302G>A, p.Pro434= (NM_001306177.2).
Identifiers: ClinVar variation 434304 (VCV000434304.12), dbSNP rs145081421, ClinGen allele CA10528314.